The following is an entry in ClinVar:

NM_000321.3(RB1):c.2035_2038dup (p.Ile680fs)

Gene: RB1 (RB transcriptional corepressor 1; plus strand). Cytogenetic location: 13q14.2.
Variant type: Duplication.
Coding change: c.2035_2038dup on transcript NM_000321.3 (MANE Select); coding-DNA positions 2035 to 2038, 4 bases duplicated (ATCA; older notation c.2035_2038dupATCA).
Protein change: p.Ile680fs; shifts the reading frame from isoleucine 680.
Molecular consequence: frameshift variant.
Genome position (GRCh38, 1-based): chr13:48,459,762-48,459,765, ATCA duplicated. VCF-style (leftmost placement, unchanged base first): chr13-48459761-T-TATCA. GRCh37 (hg19) VCF-style: chr13-49033897-T-TATCA.
Other names: short protein forms I680fs.
Identifiers: ClinVar variation 995861 (VCV000995861.2), dbSNP rs1949384403, ClinGen allele CA1139663289.

ClinVar aggregate classification (germline): Pathogenic (1 of 4 stars; one submission).

Conditions:
Retinoblastoma (RB1). Also called: RETINOBLASTOMA, SOMATIC. Identifiers: Orphanet 790, MedGen C0035335, MeSH D012175, MONDO:0008380, OMIM 180200, HP:0009919. Disease mechanism: loss of function. Inheritance: Both sporadic and heritable forms are tested..

Submission:

Genetics Program, Instituto Nacional de Cancer
Classification: Pathogenic for Retinoblastoma. Last evaluated: 2020-08-20. Review status: criteria provided, single submitter. Criteria: ACMG Guidelines, 2015. Collection method: research. Allele origin: somatic. Affected: yes. Observed: 1 variant allele.
Comment: Gene panel by NGS. Frameshift variant. Found in one tumor, allele frequency=0.916. Confirmed by Sanger sequencing.